The following is an entry in ClinVar:

NM_003850.3(SUCLA2):c.394T>C (p.Ser132Pro)

Gene: SUCLA2 (succinate-CoA ligase ADP-forming subunit beta; minus strand). Cytogenetic location: 13q14.2.
Variant type: single nucleotide variant.
Coding change: c.394T>C on transcript NM_003850.3 (MANE Select); coding-DNA position 394, T replaced by C.
Protein change: p.Ser132Pro; replaces serine 132 with proline.
Molecular consequence: missense variant.
Genome position (GRCh38, 1-based): chr13:47,988,681, A>G on the plus strand (T>C on the coding strand, the complement: SUCLA2 is on the minus strand). VCF-style: chr13-47988681-A-G. GRCh37 (hg19) VCF-style: chr13-48562816-A-G.
Other names: short protein forms S132P.
Identifiers: ClinVar variation 4531458 (VCV004531458.2).

ClinVar aggregate classification (germline): Uncertain significance. Review status: criteria provided, multiple submitters, no conflicts (2 of 4 stars). 2 submissions from 2 submitters: Uncertain significance (2). Last evaluated 2025-07-22.

Conditions:
Mitochondrial DNA depletion syndrome, encephalomyopathic form with methylmalonic aciduria (MTDPS5). Also called: Mitochondrial encephalomyopathy aminoacidopathy; MITOCHONDRIAL DNA DEPLETION SYNDROME, ENCEPHALOMYOPATHIC FORM, WITH OR WITHOUT METHYLMALONIC ACIDURIA, AUTOSOMAL RECESSIVE, SUCLA2-RELATED; Mitochondrial DNA depletion syndrome 5 (encephalomyopathic with or without methylmalonic aciduria); SUCLA2-Related Mitochondrial DNA Depletion Syndrome, Encephalomyopathic Form with Methylmalonic Aciduria. Identifiers: Orphanet 1933, MedGen C5980207, MONDO:0012791, OMIM 612073.

gnomAD v4.1: 1 of 1,613,776 alleles (0.000062%); highest among the groups gnomAD compares: Non-Finnish European, 0.000085%; no homozygotes.

Submissions (2):

Victorian Clinical Genetics Services, Murdoch Childrens Research Institute
Classification: Uncertain significance for Mitochondrial DNA depletion syndrome, encephalomyopathic form with methylmalonic aciduria. Last evaluated: 2025-07-22. Review status: criteria provided, single submitter. Criteria: ACMG Guidelines, 2015. Collection method: clinical testing. Allele origin: germline. Affected: yes.
Comment: This variant is classified as VUS-3A. Evidence in support of pathogenic classification: Variant is present in gnomAD <0.01 for a recessive condition (v4: 1 heterozygote(s), 0 homozygote(s)); Strong phenotype match for this individual. Additional information: Variant is predicted to result in a missense amino acid change from Ser to Pro; This variant is heterozygous; This gene is associated with autosomal recessive disease; Alternative amino acid change(s) at the same position are present in gnomAD (Highest allele count: v4: 1 heterozygote(s), 0 homozygote(s)); This variant has no previous evidence of pathogenicity; No published evidence of segregation with disease has been identified for this variant; No published functional evidence has been identified for this variant; No comparable missense variants have previous evidence for pathogenicity; Variant is located in the annotated ATP-grasp_2 domain (DECIPHER); Missense variant with inconclusive in silico prediction and uninformative conservation; Loss of function is a known mechanism of disease in this gene and is associated with mitochondrial DNA depletion syndrome 5 (encephalomyopathic with or without methylmalonic aciduria) (MIM#612073).

Blueprint Genetics
Classification: Uncertain significance. Last evaluated: 2023-07-28. Review status: criteria provided, single submitter. Criteria: ACMG Guidelines, 2015. Collection method: clinical testing. Allele origin: germline.